The following is an entry in ClinVar:

NM_001018115.3(FANCD2):c.4281+566T>G

Genes: FANCD2OS (FANCD2 opposite strand; minus strand), FANCD2 (FA complementation group D2; plus strand). Cytogenetic location: 3p25.3.
Variant type: single nucleotide variant.
Coding change: c.4281+566T>G on transcript NM_001018115.3 (MANE Select); 566 bases into the intron after coding-DNA position 4281, T replaced by G.
Molecular consequence: intron variant.
Genome position (GRCh38, 1-based): chr3:10,099,381, T>G. VCF-style: chr3-10099381-T-G. GRCh37 (hg19) VCF-style: chr3-10141065-T-G.
Other names: NC_000003.11:g.10141065T>G; c.*431T>G (NM_033084.3); c.4281+566T>G (NM_001319984.2); c.4170+566T>G (NM_001374253.1); c.*43+4817A>C (NM_173472.2).
Identifiers: ClinVar variation 342391 (VCV000342391.9), dbSNP rs3826, ClinGen allele CA10614719.
Genomic context (GRCh38, chr3:10,099,381, plus strand): 5'-GCTAAATAAAAATGTAGACATGGCTGGCGCAGTGGCTCATGCTTGTAATCCTAGCACTTT[T>G]TGAGGCCAAGGTAGGAGGATTGCTTGAGTCCGGGAGCTCAAGGCAAAGCTGCACAACATA-3'

ClinVar aggregate classification (germline): Benign. Review status: criteria provided, multiple submitters, no conflicts (2 of 4 stars). 2 submissions from 2 submitters: Benign (2). Last evaluated 2018-01-13.

Conditions:
Fanconi anemia complementation group D2. Also called: FANCD2-Related Fanconi Anemia; FANCONI PANCYTOPENIA, TYPE 4; FANCONI ANEMIA, COMPLEMENTATION GROUP D. Identifiers: Orphanet 84, MedGen C3160738, MONDO:0009214, OMIM 227646.

Allele frequency attached by ClinVar (database versions not stated): gnomAD 0.24221 and 0.24892; 1000 Genomes Project 30x 0.25547; 1000 Genomes Project 0.24201; TOPMed 0.25838; gnomAD exomes 0.17297.
gnomAD v4.1: 203,868 of 1,116,334 alleles (18%); highest among the groups gnomAD compares: African/African-American, 47%; 21,574 homozygotes.

Submissions (5):

Illumina Laboratory Services, Illumina
Classification: Benign for Fanconi anemia complementation group D2. Last evaluated: 2018-01-13. Review status: criteria provided, single submitter. Criteria: ICSL Variant Classification Criteria 13 December 2019. Collection method: clinical testing. Allele origin: germline.
Comment: This variant was observed in the ICSL laboratory as part of a predisposition screen in an ostensibly healthy population. It had not been previously curated by ICSL or reported in the Human Gene Mutation Database (HGMD: prior to June 1st, 2018), and was therefore a candidate for classification through an automated scoring system. Utilizing variant allele frequency, disease prevalence and penetrance estimates, and inheritance mode, an automated score was calculated to assess if this variant is too frequent to cause the disease. Based on the score and internal cut-off values, a variant classified as benign is not then subjected to further curation. The score for this variant resulted in a classification of benign for this disease.

Breakthrough Genomics
Classification: Benign. Review status: criteria provided, single submitter. Criteria: ACMG Guidelines, 2015. Collection method: not provided. Allele origin: germline. Inheritance: Autosomal recessive inheritance. Affected: yes.

Dr. Peter K. Rogan Lab, Western University
No classification provided (evidence only). Condition: Acute myeloid leukemia. Review status: no classification provided. Collection method: in vitro. Allele origin: not applicable. Functional consequence: retained intron. Not counted in ClinVar's aggregate classification.

Dr. Peter K. Rogan Lab, Western University
No classification provided (evidence only). Condition: Uterine corpus endometrial carcinoma. Review status: no classification provided. Collection method: in vitro. Allele origin: not applicable. Functional consequence: retained intron. Not counted in ClinVar's aggregate classification.

Dr. Peter K. Rogan Lab, Western University
No classification provided (evidence only). Condition: Uterine carcinosarcoma. Review status: no classification provided. Collection method: in vitro. Allele origin: not applicable. Functional consequence: retained intron. Not counted in ClinVar's aggregate classification.